The following is an entry in ClinVar:

GRCh38/hg38 15q23-24.1(chr15:68830574-73823337)x1

Genes: ADPGK (ADP dependent glucokinase; minus strand), ADPGK-AS1 (ADPGK antisense RNA 1; plus strand), ARIH1 (ariadne RBR E3 ubiquitin protein ligase 1; plus strand), BBS4 (Bardet-Biedl syndrome 4; plus strand), CD276 (CD276 molecule; plus strand) and 195 more. Cytogenetic location: 15q23-24.1.
Variant type: copy number loss.
Change: copy number 1 (one copy instead of two) of chr15:68,830,574-73,823,337 (4.99 Mb, GRCh38 coordinates, 1-based), cytogenetic band 15q23-24.1.
Identifiers: ClinVar variation 57140 (VCV000057140.1).

ClinVar aggregate classification (germline): Pathogenic (1 of 4 stars; one submission).

Submission:

ISCA site 4
Classification: Pathogenic. Last evaluated: 2011-08-12. Review status: criteria provided, single submitter. Criteria: Kaminsky et al. (Genet Med. 2011). Collection method: clinical testing. Allele origin: de novo. Affected: yes. Observed: 1 variant allele.
Comment: Copy number variation identified through the course of routine clinical cytogenomic testing in postnatal populations. Clinical assertions have been curated as described in Kaminsky et al. 2011.